The following is an entry in ClinVar:

NM_000719.7(CACNA1C):c.6320G>T (p.Arg2107Leu)

Genes: CACNA1C (calcium voltage-gated channel subunit alpha1 C; plus strand), CACNA1C-AS1 (CACNA1C antisense RNA 1; minus strand). Cytogenetic location: 12p13.33.
Variant type: single nucleotide variant.
Coding change: c.6320G>T on transcript NM_000719.7 (MANE Select); coding-DNA position 6320, G replaced by T.
Protein change: p.Arg2107Leu; replaces arginine 2107 with leucine.
Molecular consequence: missense variant. On other transcripts: non-coding transcript variant (1).
Genome position (GRCh38, 1-based): chr12:2,691,102, G>T. VCF-style: chr12-2691102-G-T. GRCh37 (hg19) VCF-style: chr12-2800268-G-T.
Other names: c.6464G>T, p.Arg2155Leu (NM_001129827.2); c.6443G>T, p.Arg2148Leu (NM_001129829.2); c.6425G>T, p.Arg2142Leu (NM_001129830.3, NM_001167624.3); c.6404G>T, p.Arg2135Leu (NM_001129831.2); c.6380G>T, p.Arg2127Leu (NM_001129832.2); c.6377G>T, p.Arg2126Leu (NM_001129833.2, NM_001129834.2, NM_001129835.2); c.6371G>T, p.Arg2124Leu (NM_001129836.2); c.6344G>T, p.Arg2115Leu (NM_001129837.2, NM_001129838.2); and 6 more; short protein forms R2107L, R2113L, R2115L, R2126L, R2135L, R2167L, R2104L, R2148L.
Identifiers: ClinVar variation 1461892 (VCV001461892.8), dbSNP rs552013761, ClinGen allele CA383387260.

ClinVar aggregate classification (germline): Uncertain significance (1 of 4 stars; one submission).

Conditions:
Long QT syndrome (LQTS). Identifiers: MedGen C0023976, MeSH D008133, MONDO:0002442. Disease mechanism: loss of function. Inheritance: Various modes of inheritance.

Submission:

Labcorp Genetics (formerly Invitae), Labcorp
Classification: Uncertain significance for Long QT syndrome. Last evaluated: 2021-04-04. Review status: criteria provided, single submitter. Criteria: Invitae Variant Classification Sherloc (09022015). Collection method: clinical testing. Allele origin: germline.
Comment: This sequence change replaces arginine with leucine at codon 2107 of the CACNA1C protein (p.Arg2107Leu). The arginine residue is weakly conserved and there is a moderate physicochemical difference between arginine and leucine. In summary, the available evidence is currently insufficient to determine the role of this variant in disease. Therefore, it has been classified as a Variant of Uncertain Significance. Algorithms developed to predict the effect of missense changes on protein structure and function output the following: SIFT: "Tolerated"; PolyPhen-2: "Benign"; Align-GVGD: "Class C0". The leucine amino acid residue is found in multiple mammalian species, suggesting that this missense change does not adversely affect protein function. These predictions have not been confirmed by published functional studies and their clinical significance is uncertain. This variant has not been reported in the literature in individuals with CACNA1C-related conditions. This variant is not present in population databases (ExAC no frequency).